The following is an entry in ClinVar:

NM_025132.4(WDR19):c.2003T>C (p.Met668Thr)

Gene: WDR19 (WD repeat domain 19; plus strand). Cytogenetic location: 4p14.
Variant type: single nucleotide variant.
Coding change: c.2003T>C on transcript NM_025132.4 (MANE Select); coding-DNA position 2003, T replaced by C.
Protein change: p.Met668Thr; replaces methionine 668 with threonine.
Molecular consequence: missense variant.
Genome position (GRCh38, 1-based): chr4:39,231,817, T>C. VCF-style: chr4-39231817-T-C. GRCh37 (hg19) VCF-style: chr4-39233437-T-C.
Other names: c.1523T>C, p.Met508Thr (NM_001317924.2); short protein forms M508T, M668T.
Identifiers: ClinVar variation 654947 (VCV000654947.8), dbSNP rs1577943470, ClinGen allele CA356633613.

ClinVar aggregate classification (germline): Uncertain significance (1 of 4 stars; one submission).

Conditions:
Asphyxiating thoracic dystrophy 5 (SRTD5). Also called: SHORT-RIB THORACIC DYSPLASIA 5 WITH OR WITHOUT POLYDACTYLY; SHORT-RIB THORACIC DYSPLASIA 5 WITHOUT POLYDACTYLY. Identifiers: Orphanet 474, MedGen C3280598, MONDO:0013717, OMIM 614376.
Senior-Loken syndrome 8 (SLSN8). Identifiers: Orphanet 3156, MedGen C4225376, MONDO:0014579, OMIM 616307.

Allele frequency attached by ClinVar (database versions not stated): gnomAD exomes below 0.00001.
gnomAD v4.1: 2 of 1,582,472 alleles (0.00013%); highest among the groups gnomAD compares: Non-Finnish European, 0.00017%; no homozygotes.

Submission:

Labcorp Genetics (formerly Invitae), Labcorp
Classification: Uncertain significance for Senior-Loken syndrome 8; Asphyxiating thoracic dystrophy 5. Last evaluated: 2022-07-06. Review status: criteria provided, single submitter. Criteria: Invitae Variant Classification Sherloc (09022015). Collection method: clinical testing. Allele origin: germline.
Comment: In summary, the available evidence is currently insufficient to determine the role of this variant in disease. Therefore, it has been classified as a Variant of Uncertain Significance. Algorithms developed to predict the effect of missense changes on protein structure and function are either unavailable or do not agree on the potential impact of this missense change (SIFT: "Deleterious"; PolyPhen-2: "Benign"; Align-GVGD: "Class C0"). ClinVar contains an entry for this variant (Variation ID: 654947). This variant has not been reported in the literature in individuals affected with WDR19-related conditions. This variant is not present in population databases (gnomAD no frequency). This sequence change replaces methionine, which is neutral and non-polar, with threonine, which is neutral and polar, at codon 668 of the WDR19 protein (p.Met668Thr).